The following is an entry in ClinVar:

ClinVar aggregate classification (germline): Uncertain significance (1 of 4 stars; one submission).

Conditions:
RYR1-related disorder. Also called: RYR1-related condition; RYR1-related disorders. Identifiers: MedGen CN239331.

Submission:

Labcorp Genetics (formerly Invitae), Labcorp
Classification: Uncertain significance for RYR1-related disorder. Last evaluated: 2022-10-23. Review status: criteria provided, single submitter. Criteria: Invitae Variant Classification Sherloc (09022015). Collection method: clinical testing. Allele origin: germline.
Comment: This sequence change replaces aspartic acid, which is acidic and polar, with glycine, which is neutral and non-polar, at codon 16 of the RYR1 protein (p.Asp16Gly). This variant is not present in population databases (gnomAD no frequency). This variant has not been reported in the literature in individuals affected with RYR1-related conditions. Algorithms developed to predict the effect of missense changes on protein structure and function are either unavailable or do not agree on the potential impact of this missense change (SIFT: "Deleterious"; PolyPhen-2: "Benign"; Align-GVGD: "Class C0"). In summary, the available evidence is currently insufficient to determine the role of this variant in disease. Therefore, it has been classified as a Variant of Uncertain Significance.

NM_000540.3(RYR1):c.47A>G (p.Asp16Gly)

Gene: RYR1 (ryanodine receptor 1; plus strand). Cytogenetic location: 19q13.2.
Variant type: single nucleotide variant.
Coding change: c.47A>G on transcript NM_000540.3 (MANE Select); coding-DNA position 47, A replaced by G.
Protein change: p.Asp16Gly; replaces aspartic acid 16 with glycine.
Molecular consequence: missense variant.
Genome position (GRCh38, 1-based): chr19:38,440,746, A>G. VCF-style: chr19-38440746-A-G. GRCh37 (hg19) VCF-style: chr19-38931386-A-G.
Other names: c.47A>G, p.Asp16Gly (NM_001042723.2); short protein forms D16G.
Identifiers: ClinVar variation 2179300 (VCV002179300.1), dbSNP rs2513956227, ClinGen allele CA405671307.